The following is an entry in ClinVar:

NM_000260.4(MYO7A):c.5326+20G>T

Gene: MYO7A (myosin VIIA; plus strand). Cytogenetic location: 11q13.5.
Variant type: single nucleotide variant.
Coding change: c.5326+20G>T on transcript NM_000260.4 (MANE Select); 20 bases into the intron after coding-DNA position 5326, G replaced by T.
Molecular consequence: intron variant.
Genome position (GRCh38, 1-based): chr11:77,203,237, G>T. VCF-style: chr11-77203237-G-T. GRCh37 (hg19) VCF-style: chr11-76914282-G-T.
Other names: c.5179+20G>T (NM_001369365.1); c.5212+20G>T (NM_001127180.2).
Identifiers: ClinVar variation 3629551 (VCV003629551.3).

ClinVar aggregate classification (germline): Likely benign. Review status: criteria provided, multiple submitters, no conflicts (2 of 4 stars). 2 submissions from 2 submitters: Likely benign (2). Last evaluated 2026-01-09.

gnomAD v4.1: 13 of 1,545,808 alleles (0.00084%); highest among the groups gnomAD compares: African/African-American, 0.0014%; no homozygotes.

Submissions (2):

Labcorp Genetics (formerly Invitae), Labcorp
Classification: Likely benign. Last evaluated: 2026-01-09. Review status: criteria provided, single submitter. Criteria: Invitae Variant Classification Sherloc (09022015). Collection method: clinical testing. Allele origin: germline.

Women's Health and Genetics/Laboratory Corporation of America, LabCorp
Classification: Likely benign. Last evaluated: 2024-11-26. Review status: criteria provided, single submitter. Criteria: LabCorp Variant Classification Summary - May 2015. Collection method: clinical testing. Allele origin: germline.
Comment: Variant summary: MYO7A c.5326+20G>T alters a nucleotide located at a position not widely known to affect splicing. Consensus agreement among computation tools predict no significant impact on normal splicing. However, these predictions have yet to be confirmed by functional studies. The variant allele was found at a frequency of 1.3e-05 in 153392 control chromosomes. The available data on variant occurrences in the general population are insufficient to allow any conclusion about variant significance. To our knowledge, no occurrence of c.5326+20G>T in individuals affected with Usher Syndrome and no experimental evidence demonstrating its impact on protein function have been reported. No submitters have cited clinical-significance assessments for this variant to ClinVar. Based on the evidence outlined above, the variant was classified as likely benign.